The following is an entry in ClinVar:

NM_001005373.4(LRSAM1):c.775A>T (p.Arg259Trp)

Gene: LRSAM1 (leucine rich repeat and sterile alpha motif containing 1; plus strand). Cytogenetic location: 9q33.3.
Variant type: single nucleotide variant.
Coding change: c.775A>T on transcript NM_001005373.4 (MANE Select); coding-DNA position 775, A replaced by T.
Protein change: p.Arg259Trp; replaces arginine 259 with tryptophan.
Molecular consequence: missense variant. On other transcripts: 5 prime UTR variant (1), non-coding transcript variant (2).
Genome position (GRCh38, 1-based): chr9:127,478,958, A>T. VCF-style: chr9-127478958-A-T. GRCh37 (hg19) VCF-style: chr9-130241237-A-T.
Other names: c.775A>T, p.Arg259Trp (NM_001005374.4, NM_001190723.3, NM_001384142.1 and 2 more transcripts); c.-15A>T (NM_001384144.1); short protein forms R259W.
Identifiers: ClinVar variation 838096 (VCV000838096.9), dbSNP rs548898578, ClinGen allele CA199848616.

ClinVar aggregate classification (germline): Uncertain significance (1 of 4 stars; one submission).

Conditions:
Charcot-Marie-Tooth disease axonal type 2P. Also called: CHARCOT-MARIE-TOOTH NEUROPATHY, TYPE 2P; Charcot-Marie-Tooth Neuropathy Type 2G; CHARCOT-MARIE-TOOTH DISEASE, AXONAL, TYPE 2G; CMT 2G. Identifiers: Orphanet 300319, Orphanet 99941, MedGen C3280797, MONDO:0013753, OMIM 614436.

Allele frequency attached by ClinVar (database versions not stated): gnomAD exomes below 0.00001; TOPMed below 0.00001; gnomAD 0.00001.
gnomAD v4.1: 4 of 1,613,874 alleles (0.00025%); highest among the groups gnomAD compares: East Asian, 0.0067%; no homozygotes.

Submission:

Labcorp Genetics (formerly Invitae), Labcorp
Classification: Uncertain significance for Charcot-Marie-Tooth disease axonal type 2P. Last evaluated: 2022-09-01. Review status: criteria provided, single submitter. Criteria: Invitae Variant Classification Sherloc (09022015). Collection method: clinical testing. Allele origin: germline.
Comment: ClinVar contains an entry for this variant (Variation ID: 838096). In summary, the available evidence is currently insufficient to determine the role of this variant in disease. Therefore, it has been classified as a Variant of Uncertain Significance. Algorithms developed to predict the effect of missense changes on protein structure and function (SIFT, PolyPhen-2, Align-GVGD) all suggest that this variant is likely to be disruptive. This variant has not been reported in the literature in individuals affected with LRSAM1-related conditions. This variant is not present in population databases (gnomAD no frequency). This sequence change replaces arginine, which is basic and polar, with tryptophan, which is neutral and slightly polar, at codon 259 of the LRSAM1 protein (p.Arg259Trp).